The following is an entry in ClinVar:

NM_006420.3(ARFGEF2):c.2405G>A (p.Arg802Gln)

Gene: ARFGEF2 (ARF guanine nucleotide exchange factor 2; plus strand). Cytogenetic location: 20q13.13.
Variant type: single nucleotide variant.
Coding change: c.2405G>A on transcript NM_006420.3 (MANE Select); coding-DNA position 2405, G replaced by A.
Protein change: p.Arg802Gln; replaces arginine 802 with glutamine.
Molecular consequence: missense variant.
Genome position (GRCh38, 1-based): chr20:48,988,534, G>A. VCF-style: chr20-48988534-G-A. GRCh37 (hg19) VCF-style: chr20-47605071-G-A.
Other names: short protein forms R802Q.
Identifiers: ClinVar variation 1467650 (VCV001467650.8), dbSNP rs748482139, ClinGen allele CA9898637.
Genomic context (GRCh38, chr20:48,988,534, plus strand): 5'-ATTTTTTTTAATTACAGGTAAAAAATAAAATGACGAAAGAGCAGTATATTAAAATGAATC[G>A]GGGTATCAATGATAGTAAAGATCTGCCAGAAGAGTATCTCTCAAGCATCTATGAAGAGAT-3'
Protein context (NP_006411.2, residues 792-812): MTKEQYIKMN[Arg802Gln]GINDSKDLPE

ClinVar aggregate classification (germline): Uncertain significance (1 of 4 stars; one submission).

Allele frequency attached by ClinVar (database versions not stated): TOPMed below 0.00001; gnomAD exomes 0.00001; ExAC 0.00002.
gnomAD v4.1: 10 of 1,613,434 alleles (0.00062%); highest among the groups gnomAD compares: South Asian, 0.0011%; no homozygotes.

Submission:

Labcorp Genetics (formerly Invitae), Labcorp
Classification: Uncertain significance. Last evaluated: 2023-05-08. Review status: criteria provided, single submitter. Criteria: Invitae Variant Classification Sherloc (09022015). Collection method: clinical testing. Allele origin: germline.
Comment: This variant is present in population databases (rs748482139, gnomAD 0.003%). This sequence change replaces arginine, which is basic and polar, with glutamine, which is neutral and polar, at codon 802 of the ARFGEF2 protein (p.Arg802Gln). This variant has not been reported in the literature in individuals affected with ARFGEF2-related conditions. ClinVar contains an entry for this variant (Variation ID: 1467650). An algorithm developed to predict the effect of missense changes on protein structure and function (PolyPhen-2) suggests that this variant is likely to be disruptive. In summary, the available evidence is currently insufficient to determine the role of this variant in disease. Therefore, it has been classified as a Variant of Uncertain Significance.